The following is an entry in ClinVar:

NM_000038.6(APC):c.2328A>G (p.Ile776Met)

Gene: APC (APC regulator of Wnt signaling pathway; plus strand). Cytogenetic location: 5q22.2.
Variant type: single nucleotide variant.
Coding change: c.2328A>G on transcript NM_000038.6 (MANE Select); coding-DNA position 2328, A replaced by G.
Protein change: p.Ile776Met; replaces isoleucine 776 with methionine.
Molecular consequence: missense variant. On other transcripts: non-coding transcript variant (2).
Genome position (GRCh38, 1-based): chr5:112,837,922, A>G. VCF-style: chr5-112837922-A-G. GRCh37 (hg19) VCF-style: chr5-112173619-A-G.
Other names: c.2382A>G, p.Ile794Met (NM_001407449.1, NM_001354896.2, NM_001407447.1 and 1 more transcripts); c.2328A>G, p.Ile776Met (NM_001407450.1, NM_001127510.3, NM_001354895.2); c.2307A>G, p.Ile769Met (NM_001407451.1); c.2298A>G, p.Ile766Met (NM_001407452.1); c.2151A>G, p.Ile717Met (NM_001407453.1, NM_001354901.2); c.2079A>G, p.Ile693Met (NM_001407454.1, NM_001407455.1, NM_001407456.1 and 1 more transcripts); c.2025A>G, p.Ile675Met (NM_001407458.1, NM_001354903.2, NM_001407459.1 and 1 more transcripts); c.2274A>G, p.Ile758Met (NM_001127511.3); and 11 more; short protein forms I650M, I693M, I717M, I804M, I392M, I493M, I675M, I776M.
Identifiers: ClinVar variation 5024500 (VCV005024500.1).

ClinVar aggregate classification (germline): Uncertain significance (1 of 4 stars; one submission).

Conditions:
Hereditary cancer-predisposing syndrome. Also called: Neoplastic Syndromes, Hereditary; Tumor predisposition; Hereditary neoplastic syndrome; Hereditary Cancer Syndrome. Identifiers: Orphanet 140162, MedGen C0027672, MeSH D009386, MONDO:0015356.

Submission:

Ambry Genetics
Classification: Uncertain significance for Hereditary cancer-predisposing syndrome. Last evaluated: 2026-08-29. Review status: criteria provided, single submitter. Criteria: Ambry Variant Classification Scheme 2023. Collection method: clinical testing. Allele origin: germline.
Comment: The p.I776M variant (also known as c.2328A>G), located in coding exon 15 of the APC gene, results from an A to G substitution at nucleotide position 2328. The isoleucine at codon 776 is replaced by methionine, an amino acid with highly similar properties. This amino acid position is conserved. In addition, in silico predictors for this gene do not accurately predict pathogenicity. Based on the available evidence, the clinical significance of this variant remains unclear.